The following is an entry in ClinVar:

ClinVar aggregate classification (germline): Benign. Review status: criteria provided, multiple submitters, no conflicts (2 of 4 stars). 2 submissions from 2 submitters: Benign (2). Last evaluated 2018-01-13.

Conditions:
Hermansky-Pudlak syndrome 1 (HPS1). Also called: DELTA STORAGE POOL DISEASE. Identifiers: Orphanet 231500, Orphanet 79430, MedGen C2931875, MONDO:0008748, OMIM 203300.

Allele frequency attached by ClinVar (database versions not stated): gnomAD exomes 0.29452; gnomAD 0.34580 and 0.35027; TOPMed 0.36204; 1000 Genomes Project 30x 0.42848; 1000 Genomes Project 0.43131.
gnomAD v4.1: 53,120 of 152,080 alleles (35%); highest among the groups gnomAD compares: African/African-American, 53%; 10,414 homozygotes.

Submissions (2):

Illumina Laboratory Services, Illumina
Classification: Benign for Hermansky-Pudlak syndrome 1. Last evaluated: 2018-01-13. Review status: criteria provided, single submitter. Criteria: ICSL Variant Classification Criteria 13 December 2019. Collection method: clinical testing. Allele origin: germline.
Comment: This variant was observed in the ICSL laboratory as part of a predisposition screen in an ostensibly healthy population. It had not been previously curated by ICSL or reported in the Human Gene Mutation Database (HGMD: prior to June 1st, 2018), and was therefore a candidate for classification through an automated scoring system. Utilizing variant allele frequency, disease prevalence and penetrance estimates, and inheritance mode, an automated score was calculated to assess if this variant is too frequent to cause the disease. Based on the score and internal cut-off values, a variant classified as benign is not then subjected to further curation. The score for this variant resulted in a classification of benign for this disease.

Breakthrough Genomics
Classification: Benign. Review status: criteria provided, single submitter. Criteria: ACMG Guidelines, 2015. Collection method: not provided. Allele origin: germline. Inheritance: Autosomal recessive inheritance. Affected: yes.

NM_000195.5(HPS1):c.*1215C>T

Gene: HPS1 (HPS1 biogenesis of lysosomal organelles complex 3 subunit 1; minus strand). Cytogenetic location: 10q24.2.
Variant type: single nucleotide variant.
Coding change: c.*1215C>T on transcript NM_000195.5 (MANE Select); 1215 bases downstream of the stop codon, C replaced by T.
Molecular consequence: 3 prime UTR variant.
Genome position (GRCh38, 1-based): chr10:98,416,349, G>A on the plus strand (C>T on the coding strand, the complement: HPS1 is on the minus strand). VCF-style: chr10-98416349-G-A. GRCh37 (hg19) VCF-style: chr10-100176106-G-A.
Other names: c.*1215C>T (NM_001311345.2, NM_001322476.2, NM_001322477.2 and 10 more transcripts).
Identifiers: ClinVar variation 298310 (VCV000298310.6), dbSNP rs3830024, ClinGen allele CA10629584.
Genomic context (GRCh38, chr10:98,416,349, plus strand): 5'-AAAAACTAAAGGGAAATAGTAGGTGACAAAAGCAGGGGTCCTGAACAGTGGTGGGCTCAG[G>A]GGATTGGAGTTTTTTCCTTTATGTTTTTCTGTATTTTCCACAATCCACGCTTTTCATTGC-3'